The following is an entry in ClinVar:

NM_004370.6(COL12A1):c.7207dup (p.Thr2403fs)

Genes: COL12A1 (collagen type XII alpha 1 chain; minus strand), LOC126859712 (MED14-independent group 3 enhancer GRCh37_chr6:75828643-75829842; plus strand). Cytogenetic location: 6q13.
Variant type: Duplication.
Coding change: c.7207dup on transcript NM_004370.6 (MANE Select); coding-DNA position 7207, one base duplicated (A; older notation c.7207dupA).
Protein change: p.Thr2403fs; shifts the reading frame from threonine 2403.
Molecular consequence: frameshift variant.
Genome position (GRCh38, 1-based): chr6:75,119,353, T duplicated on the plus strand (A on the coding strand, the reverse complement: COL12A1 is on the minus strand); the first of 2 consecutive T bases (chr6:75,119,353-75,119,354); duplicating either gives the same sequence. VCF-style (leftmost placement, unchanged base first): chr6-75119352-G-GT. GRCh37 (hg19) VCF-style: chr6-75829068-G-GT.
Other names: c.7207dup, p.Thr2403fs (NM_001424113.1); c.7186dup, p.Thr2396fs (NM_001424114.1); c.6934dup, p.Thr2312fs (NM_001424115.1); c.3715dup, p.Thr1239fs (NM_001424116.1, NM_080645.3); short protein forms T2396fs, T1239fs, T2312fs, T2403fs.
Identifiers: ClinVar variation 4294544 (VCV004294544.2).

ClinVar aggregate classification (germline): Likely pathogenic (1 of 4 stars; one submission).

Conditions:
Bethlem myopathy 2 (BTHLM2). Identifiers: Orphanet 536516, Orphanet 610, MedGen C4225313, MONDO:0034022, OMIM 616471.
Ullrich congenital muscular dystrophy 2 (UCMD2). Identifiers: Orphanet 75840, MedGen C4225314, MONDO:0014654, OMIM 616470.

Submission:

GeneDx
Classification: Likely pathogenic. Last evaluated: 2025-05-20. Review status: criteria provided, single submitter. Criteria: GeneDx Variant Classification Process June 2021. Collection method: clinical testing. Allele origin: germline. Affected: yes.
Comment: Frameshift variant predicted to result in protein truncation or nonsense mediated decay in a gene for which loss of function is a known mechanism of disease; Not observed at significant frequency in large population cohorts (gnomAD); Has not been previously published as pathogenic or benign to our knowledge